The following is an entry in ClinVar:

ClinVar aggregate classification (germline): Uncertain significance (1 of 4 stars; one submission).

gnomAD v4.1: 7 of 1,613,762 alleles (0.00043%); highest among the groups gnomAD compares: Non-Finnish European, 0.00059%; no homozygotes.

Submission:

CeGaT Center for Human Genetics Tuebingen
Classification: Uncertain significance. Last evaluated: 2025-11-01. Review status: criteria provided, single submitter. Criteria: CeGaT Center For Human Genetics Tuebingen Variant Classification Criteria Version 2. Collection method: clinical testing. Allele origin: germline. Affected: yes. Observed: 1 variant allele.
Comment: TTN: PM2

NM_001267550.2(TTN):c.27658G>A (p.Asp9220Asn)

Gene: TTN (titin; minus strand). Cytogenetic location: 2q31.2.
Variant type: single nucleotide variant.
Coding change: c.27658G>A on transcript NM_001267550.2 (MANE Select); coding-DNA position 27658, G replaced by A.
Protein change: p.Asp9220Asn; replaces aspartic acid 9220 with asparagine.
Molecular consequence: missense variant. On other transcripts: intron variant (3).
Genome position (GRCh38, 1-based): chr2:178,712,172, C>T on the plus strand (G>A on the coding strand, the complement: TTN is on the minus strand). VCF-style: chr2-178712172-C-T. GRCh37 (hg19) VCF-style: chr2-179576899-C-T.
Other names: c.26707G>A, p.Asp8903Asn (NM_001256850.1); c.23926G>A, p.Asp7976Asn (NM_133378.4); c.13282+25910G>A (NM_003319.4); c.13858+25910G>A (NM_133437.4); c.13657+25910G>A (NM_133432.3); short protein forms D7976N, D8903N, D9220N.
Identifiers: ClinVar variation 4534455 (VCV004534455.6).